The following is an entry in ClinVar:

ClinVar aggregate classification (germline): Uncertain significance (1 of 4 stars; one submission).

Conditions:
CEP164-related disorder. Also called: CEP164-related condition.

gnomAD v4.1: 2 of 1,606,762 alleles (0.00012%); highest among the groups gnomAD compares: Admixed American, 0.0034%; no homozygotes.

Submission:

PreventionGenetics, part of Exact Sciences
Classification: Uncertain significance for CEP164-related condition. Last evaluated: 2026-05-03. Review status: criteria provided, single submitter. Criteria: ACMG Guidelines, 2015. Collection method: clinical testing. Allele origin: germline.
Comment: The CEP164 c.4036T>A variant is predicted to result in the amino acid substitution p.Ser1346Thr. To our knowledge, this variant has not been reported in the literature. This variant is reported in 0.0058% of alleles in individuals of Latino descent in gnomAD. At this time, the clinical significance of this variant is uncertain due to the absence of conclusive functional and genetic evidence.

NM_014956.5(CEP164):c.4036T>A (p.Ser1346Thr)

Gene: CEP164 (centrosomal protein 164; plus strand). Cytogenetic location: 11q23.3.
Variant type: single nucleotide variant.
Coding change: c.4036T>A on transcript NM_014956.5 (MANE Select); coding-DNA position 4036, T replaced by A.
Protein change: p.Ser1346Thr; replaces serine 1346 with threonine.
Molecular consequence: missense variant.
Genome position (GRCh38, 1-based): chr11:117,409,905, T>A. VCF-style: chr11-117409905-T-A. GRCh37 (hg19) VCF-style: chr11-117280621-T-A.
Other names: c.4021T>A, p.Ser1341Thr (NM_001271933.2); c.4042T>A, p.Ser1348Thr (NM_001440949.1); c.4036T>A, p.Ser1346Thr (NM_001440950.1, NM_001440951.1); c.4027T>A, p.Ser1343Thr (NM_001440952.1); c.4012T>A, p.Ser1338Thr (NM_001440953.1); c.3958T>A, p.Ser1320Thr (NM_001440954.1, NM_001440955.1); c.3949T>A, p.Ser1317Thr (NM_001440956.1); c.3946T>A, p.Ser1316Thr (NM_001440957.1); and 21 more; short protein forms S1227T, S1262T, S1289T, S1291T, S1303T, S1317T, S1348T, S1242T.
Identifiers: ClinVar variation 4989007 (VCV004989007.1).